The following is an entry in ClinVar:

ClinVar aggregate classification (germline): Uncertain significance (1 of 4 stars; one submission).

gnomAD v4.1: 2 of 1,612,210 alleles (0.00012%); highest among the groups gnomAD compares: Non-Finnish European, 0.00017%; no homozygotes.

Submission:

GeneDx
Classification: Uncertain significance. Last evaluated: 2025-07-30. Review status: criteria provided, single submitter. Criteria: GeneDx Variant Classification Process June 2021. Collection method: clinical testing. Allele origin: germline. Affected: yes.
Comment: Not observed at significant frequency in large population cohorts (gnomAD); In silico analysis supports that this missense variant has a deleterious effect on protein structure/function; Has not been previously published as pathogenic or benign to our knowledge; This variant is associated with the following publications: (PMID: 22373162)

NM_005360.5(MAF):c.221C>T (p.Ser74Leu)

Gene: MAF (MAF bZIP transcription factor; minus strand). Cytogenetic location: 16q23.2.
Variant type: single nucleotide variant.
Coding change: c.221C>T on transcript NM_005360.5 (MANE Select); coding-DNA position 221, C replaced by T.
Protein change: p.Ser74Leu; replaces serine 74 with leucine.
Molecular consequence: missense variant.
Genome position (GRCh38, 1-based): chr16:79,599,682, G>A on the plus strand (C>T on the coding strand, the complement: MAF is on the minus strand). VCF-style: chr16-79599682-G-A. GRCh37 (hg19) VCF-style: chr16-79633579-G-A.
Other names: c.221C>T, p.Ser74Leu (NM_001031804.3); short protein forms S74L.
Identifiers: ClinVar variation 4689820 (VCV004689820.1).
Genomic context (GRCh38, chr16:79,599,682, plus strand): 5'-ATCCAGTAGTAGTCTTCCAGGTGCGCCTTCTGCTCGCTGCCCGAGCCCGGGCTGGGCGCC[G>A]AGAAGCTGGGGGAAGGGGGCACCGAGCTGCACGGCGTGCTCATGGGGGTGGAGGACAGCG-3'
Protein context (NP_005351.2, residues 64-84): CSSVPPSPSF[Ser74Leu]APSPGSGSEQ